The following is an entry in ClinVar:

ClinVar aggregate classification (germline): Uncertain significance (1 of 4 stars; one submission).

Conditions:
Charcot-Marie-Tooth disease type 4. Also called: Charcot-Marie-Tooth, Type 4; Charcot-Marie-Tooth disease, type IV. Identifiers: Orphanet 64749, MedGen C4082197, MONDO:0018995.

Allele frequency attached by ClinVar (database versions not stated): gnomAD exomes below 0.00001; ExAC 0.00001.
gnomAD v4.1: 2 of 1,614,192 alleles (0.00012%); highest among the groups gnomAD compares: Non-Finnish European, 0.00017%; no homozygotes.

Submission:

Labcorp Genetics (formerly Invitae), Labcorp
Classification: Uncertain significance for Charcot-Marie-Tooth disease type 4. Last evaluated: 2024-08-12. Review status: criteria provided, single submitter. Criteria: Invitae Variant Classification Sherloc (09022015). Collection method: clinical testing. Allele origin: germline.
Comment: This sequence change replaces aspartic acid, which is acidic and polar, with valine, which is neutral and non-polar, at codon 375 of the FGD4 protein (p.Asp375Val). This variant is present in population databases (rs754600353, gnomAD 0.0009%). This variant has not been reported in the literature in individuals affected with FGD4-related conditions. ClinVar contains an entry for this variant (Variation ID: 1017321). Advanced modeling of protein sequence and biophysical properties (such as structural, functional, and spatial information, amino acid conservation, physicochemical variation, residue mobility, and thermodynamic stability) performed at Invitae indicates that this missense variant is expected to disrupt FGD4 protein function with a positive predictive value of 80%. In summary, the available evidence is currently insufficient to determine the role of this variant in disease. Therefore, it has been classified as a Variant of Uncertain Significance.

NM_001370298.3(FGD4):c.1535A>T (p.Asp512Val)

Gene: FGD4 (FYVE, RhoGEF and PH domain containing 4; plus strand). Cytogenetic location: 12p11.21.
Variant type: single nucleotide variant.
Coding change: c.1535A>T on transcript NM_001370298.3 (MANE Select); coding-DNA position 1535, A replaced by T.
Protein change: p.Asp512Val; replaces aspartic acid 512 with valine.
Molecular consequence: missense variant.
Genome position (GRCh38, 1-based): chr12:32,608,087, A>T. VCF-style: chr12-32608087-A-T. GRCh37 (hg19) VCF-style: chr12-32761021-A-T.
Other names: c.1379A>T, p.Asp460Val (NM_001304481.2); c.380A>T, p.Asp127Val (NM_001304483.2); c.92A>T, p.Asp31Val (NM_001304484.2); c.845A>T, p.Asp282Val (NM_001330373.2, NM_001330374.2, NM_001384130.1); c.572A>T, p.Asp191Val (NM_001370297.1); c.1535A>T, p.Asp512Val (NM_001384126.1); c.1124A>T, p.Asp375Val (NM_001384127.1, NM_001384128.1, NM_001385118.1 and 1 more transcripts); short protein forms D127V, D191V, D282V, D31V, D375V, D460V, D512V.
Identifiers: ClinVar variation 1017321 (VCV001017321.8), dbSNP rs754600353, ClinGen allele CA6506797.